The following is an entry in ClinVar:

NM_000057.4(BLM):c.4241A>G (p.Tyr1414Cys)

Gene: BLM (BLM RecQ like helicase; plus strand). Cytogenetic location: 15q26.1.
Variant type: single nucleotide variant.
Coding change: c.4241A>G on transcript NM_000057.4 (MANE Select); coding-DNA position 4241, A replaced by G.
Protein change: p.Tyr1414Cys; replaces tyrosine 1414 with cysteine.
Molecular consequence: missense variant.
Genome position (GRCh38, 1-based): chr15:90,815,266, A>G. VCF-style: chr15-90815266-A-G. GRCh37 (hg19) VCF-style: chr15-91358496-A-G.
Other names: c.4241A>G, p.Tyr1414Cys (NM_001287246.2); c.3848A>G, p.Tyr1283Cys (NM_001287247.2); c.3116A>G, p.Tyr1039Cys (NM_001287248.2); short protein forms Y1039C, Y1414C, Y1283C.
Identifiers: ClinVar variation 1739001 (VCV001739001.4), dbSNP rs2505576051, ClinGen allele CA393853325.

ClinVar aggregate classification (germline): Uncertain significance. Review status: criteria provided, multiple submitters, no conflicts (2 of 4 stars). 2 submissions from 2 submitters: Uncertain significance (2). Last evaluated 2022-12-07.

Conditions:
Hereditary cancer-predisposing syndrome. Also called: Hereditary Cancer Syndrome; Hereditary neoplastic syndrome; Neoplastic Syndromes, Hereditary; Tumor predisposition. Identifiers: Orphanet 140162, MedGen C0027672, MeSH D009386, MONDO:0015356.
Bloom syndrome (BLM). Also called: Bloom-Torre-Machacek syndrome. Identifiers: Orphanet 125, MedGen C0005859, MONDO:0008876, OMIM 210900.

Submissions (2):

Labcorp Genetics (formerly Invitae), Labcorp
Classification: Uncertain significance for Bloom syndrome. Last evaluated: 2022-12-07. Review status: criteria provided, single submitter. Criteria: Invitae Variant Classification Sherloc (09022015). Collection method: clinical testing. Allele origin: germline.
Comment: In summary, the available evidence is currently insufficient to determine the role of this variant in disease. Therefore, it has been classified as a Variant of Uncertain Significance. Algorithms developed to predict the effect of missense changes on protein structure and function are either unavailable or do not agree on the potential impact of this missense change (SIFT: "Deleterious"; PolyPhen-2: "Probably Damaging"; Align-GVGD: "Class C0"). ClinVar contains an entry for this variant (Variation ID: 1739001). This variant has not been reported in the literature in individuals affected with BLM-related conditions. This variant is not present in population databases (gnomAD no frequency). This sequence change replaces tyrosine, which is neutral and polar, with cysteine, which is neutral and slightly polar, at codon 1414 of the BLM protein (p.Tyr1414Cys).

Ambry Genetics
Classification: Uncertain significance for Hereditary cancer-predisposing syndrome. Last evaluated: 2022-06-27. Review status: criteria provided, single submitter. Criteria: Ambry Variant Classification Scheme 2023. Collection method: clinical testing. Allele origin: germline.
Comment: The p.Y1414C variant (also known as c.4241A>G), located in coding exon 21 of the BLM gene, results from an A to G substitution at nucleotide position 4241. The tyrosine at codon 1414 is replaced by cysteine, an amino acid with highly dissimilar properties. This amino acid position is well conserved in available vertebrate species. In addition, the in silico prediction for this alteration is inconclusive. Since supporting evidence is limited at this time, the clinical significance of this alteration remains unclear.